The following is an entry in ClinVar:

ClinVar aggregate classification (germline): Uncertain significance (1 of 4 stars; one submission).

Conditions:
Noonan syndrome 9 (NS9). Identifiers: Orphanet 648, MedGen C4225282, MONDO:0014691, OMIM 616559.

Submission:

Labcorp Genetics (formerly Invitae), Labcorp
Classification: Uncertain significance for Noonan syndrome 9. Last evaluated: 2025-12-01. Review status: criteria provided, single submitter. Criteria: Invitae Variant Classification Sherloc (09022015). Collection method: clinical testing. Allele origin: germline.
Comment: This sequence change replaces aspartic acid, which is acidic and polar, with valine, which is neutral and non-polar, at codon 434 of the SOS2 protein (p.Asp434Val). This variant is not present in population databases (gnomAD no frequency). This variant has not been reported in the literature in individuals affected with SOS2-related conditions. Invitae Evidence Modeling of protein sequence and biophysical properties (such as structural, functional, and spatial information, amino acid conservation, physicochemical variation, residue mobility, and thermodynamic stability) indicates that this missense variant is not expected to disrupt SOS2 protein function with a negative predictive value of 95%. In summary, the available evidence is currently insufficient to determine the role of this variant in disease. Therefore, it has been classified as a Variant of Uncertain Significance.

NM_006939.4(SOS2):c.1301A>T (p.Asp434Val)

Gene: SOS2 (SOS Ras/Rho guanine nucleotide exchange factor 2; minus strand). Cytogenetic location: 14q21.3.
Variant type: single nucleotide variant.
Coding change: c.1301A>T on transcript NM_006939.4 (MANE Select); coding-DNA position 1301, A replaced by T.
Protein change: p.Asp434Val; replaces aspartic acid 434 with valine.
Molecular consequence: missense variant.
Genome position (GRCh38, 1-based): chr14:50,159,982, T>A on the plus strand (A>T on the coding strand, the complement: SOS2 is on the minus strand). VCF-style: chr14-50159982-T-A. GRCh37 (hg19) VCF-style: chr14-50626700-T-A.
Other names: c.1202A>T, p.Asp401Val (NM_001411020.1); short protein forms D401V, D434V.
Identifiers: ClinVar variation 4801991 (VCV004801991.1).
Genomic context (GRCh38, chr14:50,159,982, plus strand): 5'-TTGGCACCGATTCTTGTCAATGGTCCCTCCATAATGAATTCATTACAACACTGTCCAATA[T>A]CTTTGCCTTCCCATCCATCGATATTTTTCTGAATTTCATTCATTTTTTTGATAGCCAGGT-3'
Protein context (NP_008870.2, residues 424-444): QKNIDGWEGK[Asp434Val]IGQCCNEFIM